The following is an entry in ClinVar:

NM_015041.3(CLUAP1):c.530A>G (p.Glu177Gly)

Gene: CLUAP1 (clusterin associated protein 1; plus strand). Cytogenetic location: 16p13.3.
Variant type: single nucleotide variant.
Coding change: c.530A>G on transcript NM_015041.3 (MANE Select); coding-DNA position 530, A replaced by G.
Protein change: p.Glu177Gly; replaces glutamic acid 177 with glycine.
Molecular consequence: missense variant.
Genome position (GRCh38, 1-based): chr16:3,515,542, A>G. VCF-style: chr16-3515542-A-G. GRCh37 (hg19) VCF-style: chr16-3565542-A-G.
Other names: c.530A>G, p.Glu177Gly (NM_001330454.2); c.32A>G, p.Glu11Gly (NM_024793.3); short protein forms E11G, E177G.
Identifiers: ClinVar variation 2061469 (VCV002061469.4), dbSNP rs2543954196, ClinGen allele CA394512955.
Genomic context (GRCh38, chr16:3,515,542, plus strand): 5'-ACGTAAATGATTTTACTGTTTCCTAGGAAATGAGAACAGAAGCCATTGCCAGACCTCTGG[A>G]AATAAACGAGACTGAAAAAGTGATGAGAATTGCAATAAAAGAGATTTTGGTAAGATGACT-3'
Protein context (NP_055856.1, residues 167-187): MRTEAIARPL[Glu177Gly]INETEKVMRI

ClinVar aggregate classification (germline): Uncertain significance (1 of 4 stars; one submission).

Submission:

Labcorp Genetics (formerly Invitae), Labcorp
Classification: Uncertain significance. Last evaluated: 2022-10-24. Review status: criteria provided, single submitter. Criteria: Invitae Variant Classification Sherloc (09022015). Collection method: clinical testing. Allele origin: germline.
Comment: In summary, the available evidence is currently insufficient to determine the role of this variant in disease. Therefore, it has been classified as a Variant of Uncertain Significance. Advanced modeling of protein sequence and biophysical properties (such as structural, functional, and spatial information, amino acid conservation, physicochemical variation, residue mobility, and thermodynamic stability) performed at Invitae indicates that this missense variant is expected to disrupt CLUAP1 protein function. This sequence change replaces glutamic acid, which is acidic and polar, with glycine, which is neutral and non-polar, at codon 177 of the CLUAP1 protein (p.Glu177Gly). This variant is not present in population databases (gnomAD no frequency). This variant has not been reported in the literature in individuals affected with CLUAP1-related conditions.